The following is an entry in ClinVar:

NM_001105206.3(LAMA4):c.530C>G (p.Pro177Arg)

Gene: LAMA4 (laminin subunit alpha 4; minus strand). Cytogenetic location: 6q21.
Variant type: single nucleotide variant.
Coding change: c.530C>G on transcript NM_001105206.3 (MANE Select); coding-DNA position 530, C replaced by G.
Protein change: p.Pro177Arg; replaces proline 177 with arginine.
Molecular consequence: missense variant.
Genome position (GRCh38, 1-based): chr6:112,191,824, G>C on the plus strand (C>G on the coding strand, the complement: LAMA4 is on the minus strand). VCF-style: chr6-112191824-G-C. GRCh37 (hg19) VCF-style: chr6-112513026-G-C.
Other names: c.530C>G, p.Pro177Arg (NM_001105207.3, NM_002290.5); short protein forms P177R.
Identifiers: ClinVar variation 4614459 (VCV004614459.1).

ClinVar aggregate classification (germline): Uncertain significance (1 of 4 stars; one submission).

Conditions:
Cardiovascular phenotype. Identifiers: MedGen CN230736.

gnomAD v4.1: 6 of 1,613,828 alleles (0.00037%); highest among the groups gnomAD compares: Non-Finnish European, 0.00051%; no homozygotes.

Submission:

Ambry Genetics
Classification: Uncertain significance for Cardiovascular phenotype. Last evaluated: 2025-12-10. Review status: criteria provided, single submitter. Criteria: Ambry Variant Classification Scheme 2023. Collection method: clinical testing. Allele origin: germline.
Comment: The p.P177R variant (also known as c.530C>G), located in coding exon 5 of the LAMA4 gene, results from a C to G substitution at nucleotide position 530. The proline at codon 177 is replaced by arginine, an amino acid with dissimilar properties. This amino acid position is conserved. In addition, this alteration is predicted to be deleterious by in silico analysis. Based on the available evidence, the clinical significance of this variant remains unclear.